The following is an entry in ClinVar:

NM_001375978.1(CHRM3):c.1387C>T (p.Leu463=)

Gene: CHRM3 (cholinergic receptor muscarinic 3; plus strand). Cytogenetic location: 1q43.
Variant type: single nucleotide variant.
Coding change: c.1387C>T on transcript NM_001375978.1 (MANE Select); coding-DNA position 1387, C replaced by T.
Protein change: p.Leu463=; no amino-acid change (leucine 463 retained).
Molecular consequence: synonymous variant.
Genome position (GRCh38, 1-based): chr1:239,908,838, C>T. VCF-style: chr1-239908838-C-T. GRCh37 (hg19) VCF-style: chr1-240072138-C-T.
Other names: c.1387C>T, p.Leu463= (NM_000740.4, NM_001347716.2, NM_001375979.1 and 6 more transcripts).
Identifiers: ClinVar variation 3344150 (VCV003344150.1).
Genomic context (GRCh38, chr1:239,908,838, plus strand): 5'-GTCAACTCCTCAGTGGGTAAGAGCACGGCCACTCTACCTCTGTCCTTCAAGGAAGCCACT[C>T]TGGCCAAGAGGTTTGCTCTGAAGACCAGAAGTCAGATCACTAAGCGGAAAAGGATGTCCC-3'
Protein context (NP_001362907.1, residues 453-473): TLPLSFKEAT[Leu463=]AKRFALKTRS

ClinVar aggregate classification (germline): Likely benign (0 of 4 stars; one submission).

Conditions:
CHRM3-related disorder. Also called: CHRM3-related condition.

gnomAD v4.1: 2 of 1,614,152 alleles (0.00012%); highest among the groups gnomAD compares: Middle Eastern, 0.016%; no homozygotes.

Submission:

PreventionGenetics, part of Exact Sciences
Classification: Likely benign for CHRM3-related condition. Last evaluated: 2024-09-25. Review status: no assertion criteria provided. Collection method: clinical testing. Allele origin: germline.
Comment: This variant is classified as likely benign based on ACMG/AMP sequence variant interpretation guidelines (Richards et al. 2015 PMID: 25741868, with internal and published modifications).